The following is an entry in ClinVar:

NM_000136.3(FANCC):c.851C>T (p.Ala284Val)

Genes: AOPEP (aminopeptidase O (putative); plus strand), FANCC (FA complementation group C; minus strand). Cytogenetic location: 9q22.32.
Variant type: single nucleotide variant.
Coding change: c.851C>T on transcript NM_000136.3 (MANE Select); coding-DNA position 851, C replaced by T.
Protein change: p.Ala284Val; replaces alanine 284 with valine.
Molecular consequence: missense variant.
Genome position (GRCh38, 1-based): chr9:95,126,574, G>A on the plus strand (C>T on the coding strand, the complement: FANCC is on the minus strand). VCF-style: chr9-95126574-G-A. GRCh37 (hg19) VCF-style: chr9-97888856-G-A.
Other names: c.851C>T, p.Ala284Val (NM_001243743.2, NM_001243744.2); short protein forms A284V.
Identifiers: ClinVar variation 546233 (VCV000546233.20), dbSNP rs201281511, ClinGen allele CA5137614.

ClinVar aggregate classification (germline): Uncertain significance. Review status: criteria provided, multiple submitters, no conflicts (2 of 4 stars). 5 submissions from 5 submitters: Uncertain significance (4). 1 of the submissions does not count toward it. Last evaluated 2025-09-25.

Conditions:
Fanconi anemia complementation group C (FANCC). Also called: FANCONI PANCYTOPENIA, TYPE 3; FACC; Fanconi anemia, group C; FANCC-Related Fanconi Anemia. Identifiers: Orphanet 84, MedGen C3468041, MONDO:0009213, OMIM 227645.
Hereditary cancer-predisposing syndrome. Also called: Neoplastic Syndromes, Hereditary; Hereditary Cancer Syndrome; Tumor predisposition; Hereditary neoplastic syndrome. Identifiers: Orphanet 140162, MedGen C0027672, MeSH D009386, MONDO:0015356.
Fanconi anemia (FA). Also called: Fanconi's anemia. Identifiers: Orphanet 84, MedGen C0015625, MeSH D005199, MONDO:0019391.

Allele frequency attached by ClinVar (database versions not stated): gnomAD exomes below 0.00001; ExAC 0.00001; gnomAD 0.00001 and 0.00003; TOPMed 0.00002; 1000 Genomes Project 0.00020; 1000 Genomes Project 30x 0.00031.
gnomAD v4.1: 6 of 1,614,022 alleles (0.00037%); highest among the groups gnomAD compares: Admixed American, 0.01%; no homozygotes.

Submissions (5):

GeneDx
Classification: Uncertain significance. Last evaluated: 2025-09-25. Review status: criteria provided, single submitter. Criteria: GeneDx Variant Classification Process June 2021. Collection method: clinical testing. Allele origin: germline. Affected: yes.
Comment: Not observed at significant frequency in large population cohorts (gnomAD); In silico analysis supports that this missense variant has a deleterious effect on protein structure/function; Observed in patient(s) with breast cancer (PMID: 33471991); This variant is associated with the following publications: (PMID: Gordon2000[Book], 33471991)

Ambry Genetics
Classification: Uncertain significance for Hereditary cancer-predisposing syndrome. Last evaluated: 2023-03-16. Review status: criteria provided, single submitter. Criteria: Ambry Variant Classification Scheme 2023. Collection method: clinical testing. Allele origin: germline.
Comment: The p.A284V variant (also known as c.851C>T), located in coding exon 8 of the FANCC gene, results from a C to T substitution at nucleotide position 851. The alanine at codon 284 is replaced by valine, an amino acid with similar properties. This variant was reported in 1/60,466 breast cancer cases and in 2/53,461 controls (Dorling et al. N Engl J Med. 2021 02;384:428-439). This amino acid position is highly conserved in available vertebrate species. In addition, the in silico prediction for this alteration is inconclusive. Since supporting evidence is limited at this time, the clinical significance of this alteration remains unclear.

Labcorp Genetics (formerly Invitae), Labcorp
Classification: Uncertain significance for Fanconi anemia. Last evaluated: 2022-07-23. Review status: criteria provided, single submitter. Criteria: Invitae Variant Classification Sherloc (09022015). Collection method: clinical testing. Allele origin: germline.
Comment: This sequence change replaces alanine, which is neutral and non-polar, with valine, which is neutral and non-polar, at codon 284 of the FANCC protein (p.Ala284Val). This variant is present in population databases (rs201281511, gnomAD 0.003%). This variant has not been reported in the literature in individuals affected with FANCC-related conditions. ClinVar contains an entry for this variant (Variation ID: 546233). Algorithms developed to predict the effect of missense changes on protein structure and function (SIFT, PolyPhen-2, Align-GVGD) all suggest that this variant is likely to be disruptive. In summary, the available evidence is currently insufficient to determine the role of this variant in disease. Therefore, it has been classified as a Variant of Uncertain Significance.

Genetic Services Laboratory, University of Chicago
Classification: Uncertain significance. Last evaluated: 2020-11-23. Review status: criteria provided, single submitter. Criteria: ACMG Guidelines, 2015. Collection method: clinical testing. Allele origin: germline. Affected: no.
Comment: DNA sequence analysis of the FANCC gene demonstrated a sequence change, c.851C>T, in exon 9 that results in an amino acid change, p.Ala284Val. This sequence change does not appear to have been previously described in patients with FANCC-related disorders and has been described in the gnomAD database in one individual with a low overall population frequency of 0.0004% (dbSNP rs201281511). The p.Ala284Val change affects a highly conserved amino acid residue located in a domain of the FANCC protein that is known to be functional. The p.Ala284Val substitution appears to be deleterious using several in-silico pathogenicity prediction tools (SIFT, PolyPhen2, Align GVGD, REVEL). Due to these contrasting evidences and the lack of functional studies, the clinical significance of the p.Ala284Val change remains unknown at this time.

Natera, Inc.
Classification: Uncertain significance for Fanconi anemia, group C. Last evaluated: 2020-09-16. Review status: no assertion criteria provided. Collection method: clinical testing. Allele origin: germline. Not counted in ClinVar's aggregate classification.

Literature cited by the submitters: PubMed 33471991 (cited by Ambry Genetics).